The following is an entry in ClinVar:

NM_000540.3(RYR1):c.5132A>G (p.Tyr1711Cys)

Gene: RYR1 (ryanodine receptor 1; plus strand). Cytogenetic location: 19q13.2.
Variant type: single nucleotide variant.
Coding change: c.5132A>G on transcript NM_000540.3 (MANE Select); coding-DNA position 5132, A replaced by G.
Protein change: p.Tyr1711Cys; replaces tyrosine 1711 with cysteine.
Molecular consequence: missense variant.
Genome position (GRCh38, 1-based): chr19:38,485,787, A>G. VCF-style: chr19-38485787-A-G. GRCh37 (hg19) VCF-style: chr19-38976427-A-G.
Other names: NM_000540.2(RYR1):c.5132A>G; c.5132A>G, p.Tyr1711Cys (NM_001042723.2); short protein forms Y1711C.
Identifiers: ClinVar variation 544383 (VCV000544383.16), dbSNP rs754785770, ClinGen allele CA066692.
Genomic context (GRCh38, chr19:38,485,787, plus strand): 5'-CTCAGCTGCTGCACGCCCTGGAGGACGCGCACCTGCCAGGCCCACTGCGCGCAGGCTACT[A>G]TGACCTCCTCATCAGCATCCACCTCGAAAGTGCCTGCCGCAGCCGCCGCTCCATGCTCTC-3'
Protein context (NP_000531.2, residues 1701-1721): HLPGPLRAGY[Tyr1711Cys]DLLISIHLES

ClinVar aggregate classification (germline): Uncertain significance. Review status: reviewed by expert panel (3 of 4 stars). 5 submissions from 5 submitters: Uncertain significance (1). 4 of the submissions do not count toward it. Last evaluated 2025-08-01.

Conditions:
Malignant hyperthermia of anesthesia. Also called: Anesthesic-triggered malignant hyperthermia. Identifiers: Orphanet 423, MedGen C0024591, MONDO:0018493, HP:0034733.
Malignant hyperthermia, susceptibility to, 1 (MHS1). Also called: RYR1-Related Malignant Hyperthermia Susceptibility; Malignant hyperthermia suceptibility 1; Anesthesia related hyperthermia; Malignant hyperpyrexia; Fulminating hyperpyrexia; Pharmacogenic myopathy. Identifiers: Orphanet 423, MedGen C2930980, MONDO:0007783, OMIM 145600.
RYR1-related disorder. Also called: RYR1-related condition; RYR1-related disorders. Identifiers: MedGen CN239331.

Allele frequency attached by ClinVar (database versions not stated): gnomAD exomes 0.00001 and 0.00002; TOPMed 0.00001.
gnomAD v4.1: 25 of 1,613,206 alleles (0.0015%); highest among the groups gnomAD compares: African/African-American, 0.0053%; no homozygotes.

Submissions (5):

ClinGen Malignant Hyperthermia Susceptibility Variant Curation Expert Panel, ClinGen
Classification: Uncertain significance for Malignant hyperthermia of anesthesia. Last evaluated: 2025-08-01. Review status: reviewed by expert panel. Criteria: ClinGen MHS ACMG Specifications V2. Collection method: curation. Allele origin: germline. Inheritance: Autosomal dominant inheritance.
Comment: This pathogenicity assessment is relevant only for malignant hyperthermia susceptibility (MHS) inherited in an autosomal dominant pattern. Variants in RYR1 can also cause other myopathies inherited in an autosomal dominant pattern or in an autosomal recessive pattern. Some of these disorders may predispose individuals to malignant hyperthermia. RYR1 variants may also contribute to a malignant hyperthermia reaction in combination with other genetic and non-genetic factors and the clinician needs to consider such factors in making management decisions. This sequence variant predicts a substitution of tyrosine with cysteine at codon 1711 of the RYR1 protein, p.(Tyr1711Cys). The maximum allele frequency for this variant among the six major gnomAD populations is AFR: 0.000125, a frequency consistent with pathogenicity for MHS. This variant has been reported in two unrelated individuals who have a personal or family history of a malignant hyperthermia reaction, both of these individuals had a positive in vitro contracture test (IVCT) or caffeine halothane contracture test (CHCT) result (if the proband was unavailable for testing, a positive diagnostic test result in a mutation-positive relative was counted), PS4_Supporting (PMID:25735680, New Zealand MH Investigation Unit). This variant segregates with MHS in three individuals, PP1_Supporting (New Zealand MH Investigation Unit). Functional studies in HEK293 cells show an increased sensitivity to RYR1 agonists, PS3_Moderate (PMID:36208971). This variant does not reside in a hotspot for pathogenic variants that contribute to MHS. A REVEL score of 0.805 supports neither a pathogenic nor a benign status for this variant. This variant has been classified as a Variant of Unknown Significance. PS3_Moderate, PS4_Supporting, PP1.

All of Us Research Program, National Institutes of Health
Classification: Uncertain significance for Malignant hyperthermia, susceptibility to, 1. Last evaluated: 2024-02-05. Review status: criteria provided, single submitter. Criteria: ACMG Guidelines, 2015. Collection method: clinical testing. Allele origin: germline. Inheritance: Autosomal dominant inheritance. Observed: 4 variant alleles, 4 heterozygotes. Not counted in ClinVar's aggregate classification.
Comment: This missense variant replaces tyrosine with cysteine at codon 1711 of the RYR1 protein. Computational prediction suggests that this variant may have deleterious impact on protein structure and function (internally defined REVEL score threshold >= 0.7, PMID: 27666373). Functional studies have shown that this variant showed increased sensitivity to an RyR1 agonist compared to wild type, similar to a known pathogenic variant (PMID: 36208971). This variant has been reported in at least two individuals or families affected with autosomal dominant malignant hyperthermia susceptibility (PMID: 25735680, 36208971, 36208971). It has been shown that this variant segregates with disease in four affected individuals in a family (PMID: 36208971). This variant has been identified in 3/246516 chromosomes (2/16026 African alleles, 0.0124%) in the general population by the Genome Aggregation Database (gnomAD). The available evidence is insufficient to determine the role of this variant in disease conclusively. Therefore, this variant is classified as a Variant of Uncertain Significance.

This study involves interpretation of variants in research participants for the purpose of population health screening. Participant phenotype was not available at the time of variant classification. Additional details can be found in publication PMID: 35346344, PMCID: PMC8962531

Labcorp Genetics (formerly Invitae), Labcorp
Classification: Uncertain significance for RYR1-related disorder. Last evaluated: 2021-08-28. Review status: criteria provided, single submitter. Criteria: Invitae Variant Classification Sherloc (09022015). Collection method: clinical testing. Allele origin: germline. Not counted in ClinVar's aggregate classification.
Comment: This sequence change replaces tyrosine with cysteine at codon 1711 of the RYR1 protein (p.Tyr1711Cys). The tyrosine residue is highly conserved and there is a large physicochemical difference between tyrosine and cysteine. This variant is present in population databases (rs754785770, ExAC 0.01%). This variant has not been reported in the literature in individuals affected with RYR1-related conditions. Algorithms developed to predict the effect of missense changes on protein structure and function are either unavailable or do not agree on the potential impact of this missense change (SIFT: "Deleterious"; PolyPhen-2: "Probably Damaging"; Align-GVGD: "Class C0"). In summary, the available evidence is currently insufficient to determine the role of this variant in disease. Therefore, it has been classified as a Variant of Uncertain Significance.

Blueprint Genetics
Classification: Uncertain significance. Last evaluated: 2020-01-09. Review status: criteria provided, single submitter. Criteria: ACMG Guidelines, 2015. Collection method: clinical testing. Allele origin: germline. Not counted in ClinVar's aggregate classification.

Mayo Clinic Laboratories, Mayo Clinic
Classification: Uncertain significance. Last evaluated: 2019-11-24. Review status: criteria provided, single submitter. Criteria: ACMG Guidelines, 2015. Collection method: clinical testing. Allele origin: germline. Observed: 1 variant allele. Not counted in ClinVar's aggregate classification.

Literature cited by the submitters: PubMed 25735680 (cited by All of Us Research Program, National Institutes of Health); PubMed 36208971 (cited by All of Us Research Program, National Institutes of Health).